The following is an entry in ClinVar:

ClinVar aggregate classification (germline): Uncertain significance (1 of 4 stars; one submission).

Submission:

GeneDx
Classification: Uncertain significance. Last evaluated: 2023-04-07. Review status: criteria provided, single submitter. Criteria: GeneDx Variant Classification Process June 2021. Collection method: clinical testing. Allele origin: germline. Affected: yes.
Comment: Not observed at significant frequency in large population cohorts (gnomAD); In silico analysis supports that this missense variant does not alter protein structure/function; Has not been previously published as pathogenic or benign to our knowledge

NM_005144.5(HR):c.926C>A (p.Pro309Gln)

Gene: HR (HR lysine demethylase and nuclear receptor corepressor; minus strand). Cytogenetic location: 8p21.3.
Variant type: single nucleotide variant.
Coding change: c.926C>A on transcript NM_005144.5 (MANE Select); coding-DNA position 926, C replaced by A.
Protein change: p.Pro309Gln; replaces proline 309 with glutamine.
Molecular consequence: missense variant.
Genome position (GRCh38, 1-based): chr8:22,127,516, G>T on the plus strand (C>A on the coding strand, the complement: HR is on the minus strand). VCF-style: chr8-22127516-G-T. GRCh37 (hg19) VCF-style: chr8-21985029-G-T.
Other names: c.926C>A, p.Pro309Gln (NM_018411.4); short protein forms P309Q.
Identifiers: ClinVar variation 2663730 (VCV002663730.1), dbSNP rs1451848175, ClinGen allele CA370501224.